The following is an entry in ClinVar:

ClinVar aggregate classification (germline): Benign (3 of 4 stars; one submission).

Conditions:
Hereditary thrombocytopenia and hematologic cancer predisposition syndrome. Identifiers: Orphanet 71290, MedGen CN281654, MONDO:0011071.

Allele frequency attached by ClinVar (database versions not stated): TOPMed 0.00759; gnomAD 0.00848; gnomAD exomes 0.01148; 1000 Genomes Project 0.01857.
gnomAD v4.1: 11,681 of 1,049,608 alleles (1.1%); highest among the groups gnomAD compares: South Asian, 5.2%; 95 homozygotes.

Submission:

ClinGen Myeloid Malignancy Variant Curation Expert Panel
Classification: Benign for Hereditary thrombocytopenia and hematologic cancer predisposition syndrome. Last evaluated: 2024-06-24. Review status: reviewed by expert panel. Criteria: ClinGen MyeloMalig ACMG Specifications v2. Collection method: curation. Allele origin: germline. Inheritance: Autosomal dominant inheritance.
Comment: NM_001754.5(RUNX1):c.98-1560C>T is an intronic variant. MAF of 0.0.05199 (5.19%, 251/1328, 4828 alleles) in the South Asian subpopulation of the gnomAD v3.1.2 cohort is ≥ 0.0015 (0.15%) (BA1). There are 12 homozygotes present in gnomAD v3.1.2 (BP2). This variant is not a missense variant therefore will not have a REVEL score and SpliceAI score <0.20 (0.00) (BP4). Evolutionary conservation prediction algorithms predict the site as not being conserved (PhyloP score 0.82 < 2.0 or the variant is the reference nucleotide in one primate and/or three mammal species) (BP7). In summary, this variant meets criteria to be classified as benign. ACMG/AMP criteria applied, as specified by the Myeloid Malignancy Variant Curation Expert Panel for RUNX1: BA1, BP2, BP4, BP7.

NM_001754.5(RUNX1):c.98-1560C>T

Genes: RUNX1 (RUNX family transcription factor 1; minus strand), LOC130066597 (ATAC-STARR-seq lymphoblastoid silent region 13275; plus strand). Cytogenetic location: 21q22.12.
Variant type: single nucleotide variant.
Coding change: c.98-1560C>T on transcript NM_001754.5 (MANE Select); 1560 bases into the intron before coding-DNA position 98, C replaced by T.
Molecular consequence: intron variant. On other transcripts: 5 prime UTR variant (2).
Genome position (GRCh38, 1-based): chr21:34,888,656, G>A on the plus strand (C>T on the coding strand, the complement: RUNX1 is on the minus strand). VCF-style: chr21-34888656-G-A. GRCh37 (hg19) VCF-style: chr21-36260953-G-A.
Other names: NM_001754.5:c.98-1560C>T; c.-1544C>T (NM_001001890.3, NM_001122607.2).
Identifiers: ClinVar variation 3255399 (VCV003255399.2), dbSNP rs192533631.